The following is an entry in ClinVar:

ClinVar aggregate classification (germline): Uncertain significance. Review status: criteria provided, multiple submitters, no conflicts (2 of 4 stars). 2 submissions from 2 submitters: Uncertain significance (2). Last evaluated 2022-11-24.

Conditions:
Gorlin syndrome. Also called: Basal cell nevus syndrome; Nevoid Basal Cell Carcinoma Syndrome. Identifiers: Orphanet 377, MedGen C0004779, MONDO:0007187.
PTCH2-related disorder. Also called: PTCH2-related condition; PTCH2-related disease.

Allele frequency attached by ClinVar (database versions not stated): gnomAD exomes below 0.00001.
gnomAD v4.1: 2 of 1,613,590 alleles (0.00012%); highest among the groups gnomAD compares: Non-Finnish European, 0.00017%; no homozygotes.

Submissions (2):

PreventionGenetics, part of Exact Sciences
Classification: Uncertain significance for PTCH2-related condition. Last evaluated: 2022-11-24. Review status: criteria provided, single submitter. Criteria: ACMG Guidelines, 2015. Collection method: clinical testing. Allele origin: germline.
Comment: The PTCH2 c.1247G>A variant is predicted to result in premature protein termination (p.Trp416*). To our knowledge, this variant has not been reported in the literature or in a large population database, indicating this variant is rare. At this time, the clinical significance of this variant is uncertain due to the absence of conclusive functional and genetic evidence.

Labcorp Genetics (formerly Invitae), Labcorp
Classification: Uncertain significance for Gorlin syndrome. Last evaluated: 2018-10-03. Review status: criteria provided, single submitter. Criteria: Invitae Variant Classification Sherloc (09022015). Collection method: clinical testing. Allele origin: germline.
Comment: In summary, the available evidence is currently insufficient to determine the role of this variant in disease. Therefore, it has been classified as a Variant of Uncertain Significance. The current clinical and genetic evidence is not sufficient to establish whether loss-of-function variants in PTCH2 cause disease. This variant has not been reported in the literature in individuals with PTCH2-related disease. This variant is not present in population databases (ExAC no frequency). This sequence change creates a premature translational stop signal (p.Trp416*) in the PTCH2 gene. It is expected to result in an absent or disrupted protein product.

NM_003738.5(PTCH2):c.1247G>A (p.Trp416Ter)

Gene: PTCH2 (patched 2; minus strand). Cytogenetic location: 1p34.1.
Variant type: single nucleotide variant.
Coding change: c.1247G>A on transcript NM_003738.5 (MANE Select); coding-DNA position 1247, G replaced by A.
Protein change: p.Trp416Ter; replaces tryptophan 416 with a stop codon.
Molecular consequence: nonsense.
Genome position (GRCh38, 1-based): chr1:44,829,281, C>T on the plus strand (G>A on the coding strand, the complement: PTCH2 is on the minus strand). VCF-style: chr1-44829281-C-T. GRCh37 (hg19) VCF-style: chr1-45294953-C-T.
Other names: c.1247G>A, p.Trp416Ter (NM_001166292.2); short protein forms W416*.
Identifiers: ClinVar variation 652312 (VCV000652312.8), dbSNP rs1573648782, ClinGen allele CA340103474.
Genomic context (GRCh38, chr1:44,829,281, plus strand): 5'-GCCAGGGCCACCAGCAGTACCCCGGCAAGGCCCACGGAACCCTGGGACTGGGCGCAGTCC[C>T]ACCGCAGCATGGTCACACAGGCATAGGCCAGCTGTGGGGGGAAAGGGCAGTCTCAGGGGC-3'